The following is an entry in ClinVar:

ClinVar aggregate classification (germline): Uncertain significance (1 of 4 stars; one submission).

Allele frequency attached by ClinVar (database versions not stated): ExAC 0.00001.
gnomAD v4.1: 11 of 1,606,794 alleles (0.00068%); highest among the groups gnomAD compares: Admixed American, 0.0034%; no homozygotes.

Submission:

Labcorp Genetics (formerly Invitae), Labcorp
Classification: Uncertain significance. Last evaluated: 2023-08-17. Review status: criteria provided, single submitter. Criteria: Invitae Variant Classification Sherloc (09022015). Collection method: clinical testing. Allele origin: germline.
Comment: In summary, the available evidence is currently insufficient to determine the role of this variant in disease. Therefore, it has been classified as a Variant of Uncertain Significance. This sequence change replaces arginine, which is basic and polar, with cysteine, which is neutral and slightly polar, at codon 1096 of the GPR179 protein (p.Arg1096Cys). The frequency data for this variant in the population databases is considered unreliable, as metrics indicate poor data quality at this position in the gnomAD database. This variant has not been reported in the literature in individuals affected with GPR179-related conditions. ClinVar contains an entry for this variant (Variation ID: 1946282). An algorithm developed to predict the effect of missense changes on protein structure and function (PolyPhen-2) suggests that this variant is likely to be disruptive.

NM_001004334.4(GPR179):c.3286C>T (p.Arg1096Cys)

Gene: GPR179 (G protein-coupled receptor 179; minus strand). Cytogenetic location: 17q12.
Variant type: single nucleotide variant.
Coding change: c.3286C>T on transcript NM_001004334.4 (MANE Select); coding-DNA position 3286, C replaced by T.
Protein change: p.Arg1096Cys; replaces arginine 1096 with cysteine.
Molecular consequence: missense variant.
Genome position (GRCh38, 1-based): chr17:38,330,283, G>A on the plus strand (C>T on the coding strand, the complement: GPR179 is on the minus strand). VCF-style: chr17-38330283-G-A. GRCh37 (hg19) VCF-style: chr17-36486166-G-A.
Other names: short protein forms R1096C.
Identifiers: ClinVar variation 1946282 (VCV001946282.5), dbSNP rs757925671, ClinGen allele CA290105263.
Genomic context (GRCh38, chr17:38,330,283, plus strand): 5'-TGTTCTGCCCCTCGGGACTCTCCTCCACACTCTCCTTCTCTCTGTAGGTGCTCCGAGAAC[G>A]GGTCAGAGCTTTAATCGCCAGCCCCAGGCTGCGCATGGAACCCTGCTGAACAGGGGCCTT-3'
Protein context (NP_001004334.3, residues 1086-1106): SLGLAIKALT[Arg1096Cys]SRSTYREKES